The following is an entry in ClinVar:

ClinVar aggregate classification (germline): Uncertain significance (1 of 4 stars; one submission).

Submission:

Labcorp Genetics (formerly Invitae), Labcorp
Classification: Uncertain significance. Last evaluated: 2023-05-23. Review status: criteria provided, single submitter. Criteria: Invitae Variant Classification Sherloc (09022015). Collection method: clinical testing. Allele origin: germline.
Comment: In summary, the available evidence is currently insufficient to determine the role of this variant in disease. Therefore, it has been classified as a Variant of Uncertain Significance. Algorithms developed to predict the effect of sequence changes on RNA splicing suggest that this variant may disrupt the consensus splice site. This variant has not been reported in the literature in individuals affected with SLC12A6-related conditions. This variant is not present in population databases (gnomAD no frequency). This sequence change falls in intron 1 of the SLC12A6 gene. It does not directly change the encoded amino acid sequence of the SLC12A6 protein.

NM_001365088.1(SLC12A6):c.272-5T>C

Gene: SLC12A6 (solute carrier family 12 member 6; minus strand). Cytogenetic location: 15q14.
Variant type: single nucleotide variant.
Coding change: c.272-5T>C on transcript NM_001365088.1 (MANE Select); 5 bases into the intron before coding-DNA position 272, T replaced by C.
Molecular consequence: intron variant. On other transcripts: genic downstream transcript variant (1).
Genome position (GRCh38, 1-based): chr15:34,275,394, A>G on the plus strand (T>C on the coding strand, the complement: SLC12A6 is on the minus strand). VCF-style: chr15-34275394-A-G. GRCh37 (hg19) VCF-style: chr15-34567595-A-G.
Other names: c.95-5T>C (NM_001042495.2, NM_001042494.2); c.245-5T>C (NM_001042496.2); c.272-14374T>C (NM_001042497.2); c.272-5T>C (NM_133647.2); c.119-5T>C (NM_005135.2).
Identifiers: ClinVar variation 2791035 (VCV002791035.3), dbSNP rs2509893747, ClinGen allele CA2627634442.